The following is an entry in ClinVar:

NM_004738.5(VAPB):c.*4520T>C

Gene: VAPB (VAMP associated protein B and C; plus strand). Cytogenetic location: 20q13.32.
Variant type: single nucleotide variant.
Coding change: c.*4520T>C on transcript NM_004738.5 (MANE Select); 4520 bases downstream of the stop codon, T replaced by C.
Molecular consequence: 3 prime UTR variant. On other transcripts: non-coding transcript variant (1).
Genome position (GRCh38, 1-based): chr20:58,448,755, T>C. VCF-style: chr20-58448755-T-C. GRCh37 (hg19) VCF-style: chr20-57023811-T-C.
Other names: c.*4590T>C (NM_001195677.2).
Identifiers: ClinVar variation 338995 (VCV000338995.7), dbSNP rs763514, ClinGen allele CA9924586.

ClinVar aggregate classification (germline): Benign. Review status: criteria provided, multiple submitters, no conflicts (2 of 4 stars). 3 submissions from 2 submitters: Benign (3). Last evaluated 2018-01-12.

Conditions:
Amyotrophic lateral sclerosis type 8 (ALS8). Identifiers: Orphanet 803, MedGen C1837728, MONDO:0012077, OMIM 608627.
Adult-onset proximal spinal muscular atrophy, autosomal dominant. Also called: FINKEL LATE-ADULT TYPE SMA; Spinal muscular atrophy, late-onset, finkel type. Identifiers: Orphanet 209335, MedGen C1854058, MONDO:0008453, OMIM 182980.

Allele frequency attached by ClinVar (database versions not stated): ExAC 0.05098; gnomAD exomes 0.09438 and 0.11162; gnomAD 0.10837 and 0.10917; TOPMed 0.11683; 1000 Genomes Project 30x 0.13663; 1000 Genomes Project 0.13958.
gnomAD v4.1: 45,149 of 454,002 alleles (9.9%); highest among the groups gnomAD compares: East Asian, 26%; 2,809 homozygotes.

Submissions (3):

Illumina Laboratory Services, Illumina
Classification: Benign for Amyotrophic lateral sclerosis type 8. Last evaluated: 2018-01-12. Review status: criteria provided, single submitter. Criteria: ICSL Variant Classification Criteria 13 December 2019. Collection method: clinical testing. Allele origin: germline.
Comment: This variant was observed in the ICSL laboratory as part of a predisposition screen in an ostensibly healthy population. It had not been previously curated by ICSL or reported in the Human Gene Mutation Database (HGMD: prior to June 1st, 2018), and was therefore a candidate for classification through an automated scoring system. Utilizing variant allele frequency, disease prevalence and penetrance estimates, and inheritance mode, an automated score was calculated to assess if this variant is too frequent to cause the disease. Based on the score and internal cut-off values, a variant classified as benign is not then subjected to further curation. The score for this variant resulted in a classification of benign for this disease.

Illumina Laboratory Services, Illumina
Classification: Benign for Adult-onset proximal spinal muscular atrophy, autosomal dominant. Last evaluated: 2018-01-12. Review status: criteria provided, single submitter. Criteria: ICSL Variant Classification Criteria 13 December 2019. Collection method: clinical testing. Allele origin: germline.
Comment: the same text as in the submission from Illumina Laboratory Services, Illumina above.

Breakthrough Genomics
Classification: Benign. Review status: criteria provided, single submitter. Criteria: ACMG Guidelines, 2015. Collection method: not provided. Allele origin: germline. Inheritance: Autosomal dominant inheritance. Affected: yes.